The following is an entry in ClinVar:

NM_001291415.2(KDM6A):c.1904G>A (p.Arg635Lys)

Gene: KDM6A (lysine demethylase 6A; plus strand). Cytogenetic location: Xp11.3.
Variant type: single nucleotide variant.
Coding change: c.1904G>A on transcript NM_001291415.2 (MANE Select); coding-DNA position 1904, G replaced by A.
Protein change: p.Arg635Lys; replaces arginine 635 with lysine.
Molecular consequence: missense variant. On other transcripts: non-coding transcript variant (1).
Genome position (GRCh38, 1-based): chrX:45,063,642, G>A. VCF-style: chrX-45063642-G-A. GRCh37 (hg19) VCF-style: chrX-44922887-G-A.
Other names: c.1769G>A, p.Arg590Lys (NM_001291416.2, NM_001419811.1); c.1613G>A, p.Arg538Lys (NM_001291417.2); c.1511G>A, p.Arg504Lys (NM_001291418.2, NM_001419815.1); c.860G>A, p.Arg287Lys (NM_001291421.2); c.1646G>A, p.Arg549Lys (NM_001410742.1, NM_001419814.1); c.1904G>A, p.Arg635Lys (NM_001419809.1); c.1802G>A, p.Arg601Lys (NM_001419810.1, NM_001419813.1); c.1748G>A, p.Arg583Lys (NM_001419812.1, NM_021140.4); short protein forms R287K, R504K, R538K, R549K, R583K, R590K, R601K, R635K.
Identifiers: ClinVar variation 3367468 (VCV003367468.2).

ClinVar aggregate classification (germline): Uncertain significance (1 of 4 stars; one submission).

Submission:

GeneDx
Classification: Uncertain significance. Last evaluated: 2026-02-06. Review status: criteria provided, single submitter. Criteria: GeneDx Variant Classification Process June 2021. Collection method: clinical testing. Allele origin: germline.
Comment: Not observed at significant frequency in large population cohorts (gnomAD); In silico analysis suggests that this missense variant does not alter protein structure/function; Has not been previously published as pathogenic or benign to our knowledge